The following is an entry in ClinVar:

NM_052867.4(NALCN):c.5165G>A (p.Arg1722Gln)

Genes: NALCN (sodium leak channel, non-selective; minus strand), NALCN-AS1 (NALCN antisense RNA 1; plus strand). Cytogenetic location: 13q32.3.
Variant type: single nucleotide variant.
Coding change: c.5165G>A on transcript NM_052867.4 (MANE Select); coding-DNA position 5165, G replaced by A.
Protein change: p.Arg1722Gln; replaces arginine 1722 with glutamine.
Molecular consequence: missense variant. On other transcripts: non-coding transcript variant (1).
Genome position (GRCh38, 1-based): chr13:101,055,347, C>T on the plus strand (G>A on the coding strand, the complement: NALCN is on the minus strand). VCF-style: chr13-101055347-C-T. GRCh37 (hg19) VCF-style: chr13-101707699-C-T.
Other names: c.5252G>A, p.Arg1751Gln (NM_001350748.2); c.5165G>A, p.Arg1722Gln (NM_001350749.2); c.5078G>A, p.Arg1693Gln (NM_001350750.2, NM_001350751.2); short protein forms R1693Q, R1722Q, R1751Q.
Identifiers: ClinVar variation 1305376 (VCV001305376.5), dbSNP rs750952585, ClinGen allele CA7034910.

ClinVar aggregate classification (germline): Uncertain significance. Review status: criteria provided, multiple submitters, no conflicts (2 of 4 stars). 2 submissions from 2 submitters: Uncertain significance (2). Last evaluated 2024-03-02.

Allele frequency attached by ClinVar (database versions not stated): ExAC 0.00002; gnomAD exomes 0.00003; TOPMed 0.00006.
gnomAD v4.1: 51 of 1,613,934 alleles (0.0032%); highest among the groups gnomAD compares: Admixed American, 0.017%; no homozygotes.

Submissions (2):

Labcorp Genetics (formerly Invitae), Labcorp
Classification: Uncertain significance. Last evaluated: 2024-03-02. Review status: criteria provided, single submitter. Criteria: Invitae Variant Classification Sherloc (09022015). Collection method: clinical testing. Allele origin: germline.
Comment: This sequence change replaces arginine, which is basic and polar, with glutamine, which is neutral and polar, at codon 1722 of the NALCN protein (p.Arg1722Gln). This variant is present in population databases (rs750952585, gnomAD 0.01%). This variant has not been reported in the literature in individuals affected with NALCN-related conditions. ClinVar contains an entry for this variant (Variation ID: 1305376). Advanced modeling of protein sequence and biophysical properties (such as structural, functional, and spatial information, amino acid conservation, physicochemical variation, residue mobility, and thermodynamic stability) performed at Invitae indicates that this missense variant is not expected to disrupt NALCN protein function with a negative predictive value of 95%. In summary, the available evidence is currently insufficient to determine the role of this variant in disease. Therefore, it has been classified as a Variant of Uncertain Significance.

GeneDx
Classification: Uncertain significance. Last evaluated: 2020-09-22. Review status: criteria provided, single submitter. Criteria: GeneDx Variant Classification Process June 2021. Collection method: clinical testing. Allele origin: germline. Affected: yes.
Comment: In silico analysis supports that this missense variant does not alter protein structure/function; Has not been previously published as pathogenic or benign to our knowledge